The following is an entry in ClinVar:

ClinVar aggregate classification (germline): Uncertain significance (1 of 4 stars; one submission).

Submission:

CeGaT Center for Human Genetics Tuebingen
Classification: Uncertain significance. Last evaluated: 2026-03-01. Review status: criteria provided, single submitter. Criteria: CeGaT Center For Human Genetics Tuebingen Variant Classification Criteria Version 2. Collection method: clinical testing. Allele origin: germline. Affected: yes. Observed: 1 variant allele.
Comment: SPTAN1: PM2, BP4

NM_001130438.3(SPTAN1):c.3628-4G>A

Gene: SPTAN1 (spectrin alpha, non-erythrocytic 1; plus strand). Cytogenetic location: 9q34.11.
Variant type: single nucleotide variant.
Coding change: c.3628-4G>A on transcript NM_001130438.3 (MANE Select); 4 bases into the intron before coding-DNA position 3628, G replaced by A.
Molecular consequence: intron variant.
Genome position (GRCh38, 1-based): chr9:128,604,322, G>A. VCF-style: chr9-128604322-G-A. GRCh37 (hg19) VCF-style: chr9-131366601-G-A.
Other names: c.3664-4G>A (NM_001375318.1, NM_001375312.2, NM_001438440.1); c.3628-4G>A (NM_001375311.2, NM_001375310.1, NM_001363759.2 and 4 more transcripts); c.3568-4G>A (NM_001375314.2, NM_001363765.2, NM_001438442.1 and 3 more transcripts).
Identifiers: ClinVar variation 4823568 (VCV004823568.4).